The following is an entry in ClinVar:

NM_000069.3(CACNA1S):c.2079G>A (p.Lys693=)

Gene: CACNA1S (calcium voltage-gated channel subunit alpha1 S; minus strand). Cytogenetic location: 1q32.1.
Variant type: single nucleotide variant.
Coding change: c.2079G>A on transcript NM_000069.3 (MANE Select); coding-DNA position 2079, G replaced by A.
Protein change: p.Lys693=; no amino-acid change (lysine 693 retained).
Molecular consequence: synonymous variant.
Genome position (GRCh38, 1-based): chr1:201,073,627, C>T on the plus strand (G>A on the coding strand, the complement: CACNA1S is on the minus strand). VCF-style: chr1-201073627-C-T. GRCh37 (hg19) VCF-style: chr1-201042755-C-T.
Identifiers: ClinVar variation 2047851 (VCV002047851.6), dbSNP rs765818985, ClinGen allele CA078795.

ClinVar aggregate classification (germline): Likely benign. Review status: criteria provided, multiple submitters, no conflicts (2 of 4 stars). 3 submissions from 3 submitters: Likely benign (3). Last evaluated 2025-11-04.

Conditions:
Hypokalemic periodic paralysis, type 1. Also called: Hypokalemic Periodic Paralysis Type 1 (AD); HypoPP. Identifiers: Orphanet 681, MedGen C3714580, MONDO:0042979, OMIM 170400.
Malignant hyperthermia, susceptibility to, 5 (MHS5). Also called: CACNA1S-Related Malignant Hyperthermia Susceptibility. Identifiers: Orphanet 423, MedGen C1866077, MONDO:0011163, OMIM 601887.

Allele frequency attached by ClinVar (database versions not stated): ExAC 0.00001; gnomAD exomes 0.00001.
gnomAD v4.1: 3 of 1,614,188 alleles (0.00019%); highest among the groups gnomAD compares: Non-Finnish European, 0.00025%; no homozygotes.

Submissions (3):

Labcorp Genetics (formerly Invitae), Labcorp
Classification: Likely benign for Hypokalemic periodic paralysis, type 1; Malignant hyperthermia, susceptibility to, 5. Last evaluated: 2025-11-04. Review status: criteria provided, single submitter. Criteria: Invitae Variant Classification Sherloc (09022015). Collection method: clinical testing. Allele origin: germline.

All of Us Research Program, National Institutes of Health
Classification: Likely benign for Malignant hyperthermia, susceptibility to, 5. Last evaluated: 2024-04-16. Review status: criteria provided, single submitter. Criteria: ACMG Guidelines, 2015. Collection method: clinical testing. Allele origin: germline. Inheritance: Autosomal dominant inheritance. Observed: 1 variant allele, 1 heterozygote.
Comment: This study involves interpretation of variants in research participants for the purpose of population health screening. Participant phenotype was not available at the time of variant classification. Additional details can be found in publication PMID: 35346344, PMCID: PMC8962531

Color Diagnostics, LLC DBA Color Health
Classification: Likely benign for Malignant hyperthermia, susceptibility to, 5. Last evaluated: 2024-03-28. Review status: criteria provided, single submitter. Criteria: ACMG Guidelines, 2015. Collection method: clinical testing. Allele origin: germline.